The following is an entry in ClinVar:

ClinVar aggregate classification (germline): Likely pathogenic (1 of 4 stars; one submission).

Conditions:
Childhood-onset schizophrenia. Also called: Childhood schizophrenia. Identifiers: Orphanet 641496, MedGen C0036346, MONDO:0957430.

Submission:

Dr. Guy Rouleau's laboratory, McGill University
Classification: Likely pathogenic for Childhood Onset Schizophrenia. Last evaluated: 2014-01-01. Review status: criteria provided, single submitter. Criteria: Submitter's publication. Collection method: research. Allele origin: de novo. Affected: yes. Observed: 1 variant allele.
Comment: COS with Asperger's Disorder

Identified by next generation sequencing and validated by Sanger sequencing

NM_021975.4(RELA):c.329T>C (p.Ile110Thr)

Gene: RELA (RELA proto-oncogene, NF-kB subunit; minus strand). Cytogenetic location: 11q13.1.
Variant type: single nucleotide variant.
Coding change: c.329T>C on transcript NM_021975.4 (MANE Select); coding-DNA position 329, T replaced by C.
Protein change: p.Ile110Thr; replaces isoleucine 110 with threonine.
Molecular consequence: missense variant.
Genome position (GRCh38, 1-based): chr11:65,661,693, A>G on the plus strand (T>C on the coding strand, the complement: RELA is on the minus strand). VCF-style: chr11-65661693-A-G. GRCh37 (hg19) VCF-style: chr11-65429164-A-G.
Other names: c.329T>C, p.Ile110Thr (NM_001145138.2, NM_001243984.2, NM_001243985.2); short protein forms I110T.
Identifiers: ClinVar variation 208401 (VCV000208401.3), dbSNP rs863223356, ClinGen allele CA279852.